The following is an entry in ClinVar:

ClinVar aggregate classification (germline): Likely pathogenic. Review status: criteria provided, single submitter (1 of 4 stars). 2 submissions from 2 submitters: Likely pathogenic (1). 1 of the submissions does not count toward it. Last evaluated 2022-01-04.

Conditions:
Tuberous sclerosis 2 (TSC2). Identifiers: Orphanet 805, MedGen C1860707, MONDO:0013199, OMIM 613254.
Tuberous sclerosis syndrome (TSC). Also called: Tuberous Sclerosis Complex; Tuberous sclerosis. Identifiers: Orphanet 805, MedGen C0041341, MONDO:0001734.

Submissions (2):

Labcorp Genetics (formerly Invitae), Labcorp
Classification: Likely pathogenic for Tuberous sclerosis 2. Last evaluated: 2022-01-04. Review status: criteria provided, single submitter. Criteria: Invitae Variant Classification Sherloc (09022015). Collection method: clinical testing. Allele origin: germline.
Comment: In summary, the currently available evidence indicates that the variant is pathogenic, but additional data are needed to prove that conclusively. Therefore, this variant has been classified as Likely Pathogenic. Algorithms developed to predict the effect of sequence changes on RNA splicing suggest that this variant may disrupt the consensus splice site. ClinVar contains an entry for this variant (Variation ID: 49826). This variant has not been reported in the literature in individuals affected with TSC2-related conditions. This variant is not present in population databases (gnomAD no frequency). This sequence change affects an acceptor splice site in intron 5 of the TSC2 gene. It is expected to disrupt RNA splicing. Variants that disrupt the donor or acceptor splice site typically lead to a loss of protein function (PMID: 16199547), and loss-of-function variants in TSC2 are known to be pathogenic (PMID: 10205261, 17304050).

Tuberous sclerosis database (TSC2)
No classification provided. Condition: TSC. Review status: no classification provided. Criteria: Tuberous Sclerosis Database Assertion Criteria 2015. Collection method: curation. Allele origin: germline. Affected: yes. Not counted in ClinVar's aggregate classification.

Literature cited by the submitters: PubMed 16199547 (cited by Labcorp Genetics (formerly Invitae), Labcorp); PubMed 10205261 (cited by Labcorp Genetics (formerly Invitae), Labcorp); PubMed 17304050 (cited by Labcorp Genetics (formerly Invitae), Labcorp).

NM_000548.5(TSC2):c.482-1G>C

Gene: TSC2 (TSC complex subunit 2; plus strand). Cytogenetic location: 16p13.3.
Variant type: single nucleotide variant.
Coding change: c.482-1G>C on transcript NM_000548.5 (MANE Select); the canonical splice acceptor site of the intron before coding-DNA position 482, G replaced by C.
Molecular consequence: splice acceptor variant. On other transcripts: intron variant (7).
Genome position (GRCh38, 1-based): chr16:2,055,401, G>C. VCF-style: chr16-2055401-G-C. GRCh37 (hg19) VCF-style: chr16-2105402-G-C.
Other names: c.-1166-1G>C (NM_001406693.1); c.572-1G>C (NM_001406667.1, NM_001406668.1); c.-335-1G>C (NM_001406680.1, NM_001406683.1, NM_001406687.1); c.-950-1G>C (NM_001406689.1, NM_001406690.1, NM_001406692.1 and 2 more transcripts); c.-1126-1G>C (NM_001406698.1); c.482-1G>C (NM_001114382.3, NM_001406663.1, NM_001406664.1 and 8 more transcripts); c.-831-1G>C (NM_001406694.1, NM_001406695.1); c.-938-1G>C (NM_001406696.1); and 6 more.
Identifiers: ClinVar variation 49826 (VCV000049826.7), dbSNP rs137854306, ClinGen allele CA021029.
Genomic context (GRCh38, chr16:2,055,401, plus strand): 5'-GGGAGGTGAGTGGGAGATGTAGATTCGGCGTCCTCGCAAACTGCCGCCGCTTCTCCCCCA[G>C]CTGACTTTGTCCTGCAGTGGATGGATGTTGGCTTGTCCTCGGAATTCCTTCTGGTGCTGG-3'